The following is an entry in ClinVar:

NM_001613.4(ACTA2):c.143G>T (p.Gly48Val)

Gene: ACTA2 (actin alpha 2, smooth muscle; minus strand). Cytogenetic location: 10q23.31.
Variant type: single nucleotide variant.
Coding change: c.143G>T on transcript NM_001613.4 (MANE Select); coding-DNA position 143, G replaced by T.
Protein change: p.Gly48Val; replaces glycine 48 with valine.
Molecular consequence: missense variant.
Genome position (GRCh38, 1-based): chr10:88,947,373, C>A on the plus strand (G>T on the coding strand, the complement: ACTA2 is on the minus strand). VCF-style: chr10-88947373-C-A. GRCh37 (hg19) VCF-style: chr10-90707130-C-A.
Other names: c.143G>T, p.Gly48Val (NM_001141945.3, NM_001320855.2, NM_001406462.1 and 4 more transcripts); short protein forms G48V.
Identifiers: ClinVar variation 1772684 (VCV001772684.2), dbSNP rs2494571084, ClinGen allele CA377513537.

ClinVar aggregate classification (germline): Uncertain significance (1 of 4 stars; one submission).

Conditions:
Familial thoracic aortic aneurysm and aortic dissection (TAAD). Also called: Thoracic aortic aneurysms and dissections. Identifiers: Orphanet 91387, MedGen C4707243, MONDO:0019625.

Submission:

Ambry Genetics
Classification: Uncertain significance for Familial thoracic aortic aneurysm and aortic dissection. Last evaluated: 2021-08-09. Review status: criteria provided, single submitter. Criteria: Ambry Variant Classification Scheme 2023. Collection method: clinical testing. Allele origin: germline.
Comment: The p.G48V variant (also known as c.143G>T), located in coding exon 2 of the ACTA2 gene, results from a G to T substitution at nucleotide position 143. The glycine at codon 48 is replaced by valine, an amino acid with dissimilar properties. This variant has been described in thoracic aortic aneurysm/dissection (TAAD) cohorts; however, clinical details were limited, and some individuals had additional cardiac variants detected (Guo DC et al. Am J Hum Genet, 2015 Jan;96:170-7; Regalado ES et al. Circ Cardiovasc Genet, 2015 Jun;8:457-64). This amino acid position is highly conserved in available vertebrate species. In addition, this alteration is predicted to be deleterious by in silico analysis. Since supporting evidence is limited at this time, the clinical significance of this alteration remains unclear.

Literature cited by the submitters: PubMed 25557781; PubMed 25759435; PubMed 27879251.